The following is an entry in ClinVar:

NM_001985.3(ETFB):c.49G>T (p.Ala17Ser)

Gene: ETFB (electron transfer flavoprotein subunit beta; minus strand). Cytogenetic location: 19q13.41.
Variant type: single nucleotide variant.
Coding change: c.49G>T on transcript NM_001985.3 (MANE Select); coding-DNA position 49, G replaced by T.
Protein change: p.Ala17Ser; replaces alanine 17 with serine.
Molecular consequence: missense variant.
Genome position (GRCh38, 1-based): chr19:51,366,278, C>A on the plus strand (G>T on the coding strand, the complement: ETFB is on the minus strand). VCF-style: chr19-51366278-C-A. GRCh37 (hg19) VCF-style: chr19-51869532-C-A.
Other names: short protein forms A17S.
Identifiers: ClinVar variation 2161159 (VCV002161159.3), dbSNP rs1333299560, ClinGen allele CA407087160.

ClinVar aggregate classification (germline): Uncertain significance (1 of 4 stars; one submission).

Conditions:
Multiple acyl-CoA dehydrogenase deficiency (MADD). Also called: Glutaric aciduria, type 2; ETHYLMALONIC-ADIPICACIDURIA; GA II; Glutaric acidemia type II; GA 2; Glutaric Acidemia type 2. Identifiers: Orphanet 26791, MedGen C0268596, MONDO:0009282, OMIM 231680.

Submission:

Labcorp Genetics (formerly Invitae), Labcorp
Classification: Uncertain significance for Multiple acyl-CoA dehydrogenase deficiency. Last evaluated: 2024-02-23. Review status: criteria provided, single submitter. Criteria: Invitae Variant Classification Sherloc (09022015). Collection method: clinical testing. Allele origin: germline.
Comment: This sequence change replaces alanine, which is neutral and non-polar, with serine, which is neutral and polar, at codon 17 of the ETFB protein (p.Ala17Ser). The frequency data for this variant in the population databases is considered unreliable, as metrics indicate poor data quality at this position in the gnomAD database. This variant has not been reported in the literature in individuals affected with ETFB-related conditions. ClinVar contains an entry for this variant (Variation ID: 2161159). Advanced modeling of protein sequence and biophysical properties (such as structural, functional, and spatial information, amino acid conservation, physicochemical variation, residue mobility, and thermodynamic stability) performed at Invitae indicates that this missense variant is not expected to disrupt ETFB protein function with a negative predictive value of 80%. In summary, the available evidence is currently insufficient to determine the role of this variant in disease. Therefore, it has been classified as a Variant of Uncertain Significance.